The following is an entry in ClinVar:

NM_024312.5(GNPTAB):c.772-148T>C

Gene: GNPTAB (N-acetylglucosamine-1-phosphate transferase subunits alpha and beta; minus strand). Cytogenetic location: 12q23.2.
Variant type: single nucleotide variant.
Coding change: c.772-148T>C on transcript NM_024312.5 (MANE Select); 148 bases into the intron before coding-DNA position 772, T replaced by C.
Molecular consequence: intron variant.
Genome position (GRCh38, 1-based): chr12:101,771,305, A>G on the plus strand (T>C on the coding strand, the complement: GNPTAB is on the minus strand). VCF-style: chr12-101771305-A-G. GRCh37 (hg19) VCF-style: chr12-102165083-A-G.
Identifiers: ClinVar variation 671995 (VCV000671995.1), dbSNP rs4403858, ClinGen allele CA13599397.

ClinVar aggregate classification (germline): Benign (1 of 4 stars; one submission).

Allele frequency attached by ClinVar (database versions not stated): gnomAD exomes 0.57262; gnomAD 0.61207 and 0.61461; TOPMed 0.61356; 1000 Genomes Project 30x 0.68598; 1000 Genomes Project 0.69389.
gnomAD v4.1: 408,643 of 701,716 alleles (58%); highest among the groups gnomAD compares: East Asian, 89%; 123,357 homozygotes.

Submission:

GeneDx
Classification: Benign. Last evaluated: 2018-06-19. Review status: criteria provided, single submitter. Criteria: GeneDx Variant Classification (06012015). Collection method: clinical testing. Allele origin: germline. Affected: yes.
Comment: This variant is considered likely benign or benign based on one or more of the following criteria: it is a conservative change, it occurs at a poorly conserved position in the protein, it is predicted to be benign by multiple in silico algorithms, and/or has population frequency not consistent with disease.